The following is an entry in ClinVar:

NM_015046.7(SETX):c.7103C>G (p.Pro2368Arg)

Gene: SETX (senataxin; minus strand). Cytogenetic location: 9q34.13.
Variant type: single nucleotide variant.
Coding change: c.7103C>G on transcript NM_015046.7 (MANE Select); coding-DNA position 7103, C replaced by G.
Protein change: p.Pro2368Arg; replaces proline 2368 with arginine.
Molecular consequence: missense variant.
Genome position (GRCh38, 1-based): chr9:132,271,806, G>C on the plus strand (C>G on the coding strand, the complement: SETX is on the minus strand). VCF-style: chr9-132271806-G-C. GRCh37 (hg19) VCF-style: chr9-135147193-G-C.
Other names: c.7103C>G, p.Pro2368Arg (NM_001351527.2, NM_001351528.2); short protein forms P2368R.
Identifiers: ClinVar variation 811380 (VCV000811380.11), dbSNP rs1420833435, ClinGen allele CA375328964.
Genomic context (GRCh38, chr9:132,271,806, plus strand): 5'-GTAACAATAACACAATCCTTCTGCCGACCCTGGAATGCATCCACAGTGTCTACTTCTGCT[G>C]GTCTATTTACAAAAGAGAAACATATTTACTGGAAAAAGGAAGATAATTATTAAGTATACA-3'
Protein context (NP_055861.3, residues 2358-2378): DLDKEFDRKG[Pro2368Arg]AEVDTVDAFQ

ClinVar aggregate classification (germline): Conflicting classifications of pathogenicity. Review status: criteria provided, conflicting classifications (1 of 4 stars). 6 submissions from 5 submitters: Likely pathogenic (1); Uncertain significance (5). Last evaluated 2025-12-08.

Conditions:
Spinocerebellar ataxia, autosomal recessive, with axonal neuropathy 2 (SCAN2). Also called: Ataxia-ocular apraxia-2; Ataxia with Oculomotor Apraxia; Ataxia with Oculomotor Apraxia Type 2; ATAXIA-OCULOMOTOR APRAXIA 2. Identifiers: Orphanet 64753, MedGen C1853761, MONDO:0018996, OMIM 606002.
Amyotrophic lateral sclerosis type 4 (ALS4). Also called: NEURONOPATHY, DISTAL HEREDITARY MOTOR, WITH PYRAMIDAL FEATURES; AMYOTROPHIC LATERAL SCLEROSIS 4, JUVENILE. Identifiers: Orphanet 357043, MedGen C1865409, MONDO:0011223, OMIM 602433.
Inborn genetic diseases. Identifiers: MedGen C0950123, MeSH D030342.

Allele frequency attached by ClinVar (database versions not stated): gnomAD exomes below 0.00001; TOPMed below 0.00001; gnomAD 0.00001.
gnomAD v4.1: 4 of 1,611,658 alleles (0.00025%); highest among the groups gnomAD compares: Non-Finnish European, 0.00034%; no homozygotes.

Submissions (6):

Labcorp Genetics (formerly Invitae), Labcorp
Classification: Uncertain significance for Amyotrophic lateral sclerosis type 4; Spinocerebellar ataxia, autosomal recessive, with axonal neuropathy 2. Last evaluated: 2025-12-08. Review status: criteria provided, single submitter. Criteria: Invitae Variant Classification Sherloc (09022015). Collection method: clinical testing. Allele origin: germline.
Comment: This sequence change replaces proline, which is neutral and non-polar, with arginine, which is basic and polar, at codon 2368 of the SETX protein (p.Pro2368Arg). This variant is present in population databases (no rsID available, gnomAD 0.0009%). This missense change has been observed in individual(s) with clinical features of spinocerebellar ataxia (PMID: 16644229). ClinVar contains an entry for this variant (Variation ID: 811380). An algorithm developed to predict the effect of missense changes on protein structure and function (PolyPhen-2) suggests that this variant is likely to be disruptive. Experimental studies have shown that this missense change does not substantially affect SETX function (PMID: 16644229). In summary, the available evidence is currently insufficient to determine the role of this variant in disease. Therefore, it has been classified as a Variant of Uncertain Significance.

Variantyx, Inc.
Classification: Likely pathogenic for Spinocerebellar ataxia, autosomal recessive, with axonal neuropathy 2. Last evaluated: 2025-05-22. Review status: criteria provided, single submitter. Criteria: Variantyx Assertion Criteria 2022. Collection method: clinical testing. Allele origin: germline. Inheritance: Autosomal recessive inheritance.
Comment: This is a nonsynonymous variant in the SETX gene (OMIM: 608465). Pathogenic variants in this gene have been associated with autosomal recessive spinocerebellar ataxia with axonal neuropathy 2. The clinical symptoms reported for this individual are highly specific for autosomal recessive spinocerebellar ataxia with axonal neuropathy 2, which has a limited genetic etiology (PMID: 16636238) (PP4). This variant has been identified in the homozygous or compound heterozygous state in at least 1 individual reported in the published literature (PMID: 16644229) (PM3) and has a 0.0003% maximum allele frequency in non-founder control populations (PM2). This variant lies within a known hotspot for pathogenic variants or a well-established critical functional domain of the SETX protein (PMID: 36438189, 23129421) (PM1), but computational algorithms produce conflicting evidence regarding the predicted functional impact of this variant (REVEL score: 0.586). Based on the current evidence, this variant is classified as likely pathogenic for autosomal recessive spinocerebellar ataxia with axonal neuropathy 2.

Genome-Nilou Lab
Classification: Uncertain significance for Spinocerebellar ataxia, autosomal recessive, with axonal neuropathy 2. Last evaluated: 2023-02-08. Review status: criteria provided, single submitter. Criteria: ACMG Guidelines, 2015. Collection method: clinical testing. Allele origin: germline.

Genome-Nilou Lab
Classification: Uncertain significance for Amyotrophic lateral sclerosis type 4. Last evaluated: 2023-02-08. Review status: criteria provided, single submitter. Criteria: ACMG Guidelines, 2015. Collection method: clinical testing. Allele origin: germline.

Ambry Genetics
Classification: Uncertain significance for Inborn genetic diseases. Last evaluated: 2021-11-15. Review status: criteria provided, single submitter. Criteria: Ambry Variant Classification Scheme 2023. Collection method: clinical testing. Allele origin: germline.
Comment: The p.P2368R variant (also known as c.7103C>G), located in coding exon 22 of the SETX gene, results from a C to G substitution at nucleotide position 7103. The proline at codon 2368 is replaced by arginine, an amino acid with dissimilar properties. This alteration was detected in the homozygous state in an individual with ataxia-oculomotor apraxia 2 (Chen YZ et al. Neurobiol Dis, 2006 Jul;23:97-108). In vitro experimental studies show that this alteration does not cause localization defects in patient cells (Chen YZ et al. Neurobiol Dis, 2006 Jul;23:97-108). This amino acid position is well conserved in available vertebrate species. In addition, the in silico prediction for this alteration is inconclusive. Since supporting evidence is limited at this time, the clinical significance of this alteration remains unclear.

ARUP Laboratories, Molecular Genetics and Genomics, ARUP Laboratories
Classification: Uncertain significance. Last evaluated: 2019-04-26. Review status: criteria provided, single submitter. Criteria: ARUP Molecular Germline Variant Investigation Process. Collection method: clinical testing. Allele origin: germline.
Comment: The c.7103C>G; p.Pro2368Arg variant has been reported in the medical literature in association with oculomotor apraxia type 2 (AOA2) (Arning 2013). This variant is only observed on one allele in the Genome Aggregation Database, indicating it is not a common polymorphism. This variant is moderately conserved in the RNA helicase domain of SETX and functional studies indicate it does not cause mislocalization or aggregation of the protein in patient cells (Chen 2006); however computational analyses (SIFT, PolyPhen-2) predict that this variant is deleterious. Due to limited information, the clinical significance of the p.Pro2368Arg variant is uncertain at this time.

Literature cited by the submitters: PubMed 16644229 (cited by 3 submitters).